The following is an entry in ClinVar:

ClinVar aggregate classification (germline): Uncertain significance (1 of 4 stars; one submission).

Conditions:
Hereditary spastic paraplegia 30. Identifiers: Orphanet 101010, MedGen C5235139, MONDO:0012476.
Neuropathy, hereditary sensory, type 2C. Also called: KIF1A-Related HSAN2 (HSAN2C); Hereditary sensory and autonomic neuropathy type IIC. Identifiers: Orphanet 970, MedGen C3280168, MONDO:0013634, OMIM 614213.
Intellectual disability, autosomal dominant 9 (NESCAVS). Also called: KIF1A-Related Neurodevelopmental Disorder; NESCAV SYNDROME. Identifiers: Orphanet 662367, MedGen C5393830, MONDO:0013656, OMIM 614255.

gnomAD v4.1: 3 of 1,597,572 alleles (0.00019%); highest among the groups gnomAD compares: Admixed American, 0.0033%; no homozygotes.

Submission:

Labcorp Genetics (formerly Invitae), Labcorp
Classification: Uncertain significance for Hereditary spastic paraplegia 30; Neuropathy, hereditary sensory, type 2C; Intellectual disability, autosomal dominant 9. Last evaluated: 2025-11-21. Review status: criteria provided, single submitter. Criteria: Invitae Variant Classification Sherloc (09022015). Collection method: clinical testing. Allele origin: germline.
Comment: This sequence change falls in intron 9 of the KIF1A gene. It does not directly change the encoded amino acid sequence of the KIF1A protein. This variant is present in population databases (no rsID available, gnomAD 0.006%). This variant has not been reported in the literature in individuals affected with KIF1A-related conditions. ClinVar contains an entry for this variant (Variation ID: 1496952). Algorithms developed to predict the effect of sequence changes on RNA splicing suggest that this variant may create or strengthen a splice site. In summary, the available evidence is currently insufficient to determine the role of this variant in disease. Therefore, it has been classified as a Variant of Uncertain Significance.

NM_001244008.2(KIF1A):c.883-7C>G

Gene: KIF1A (kinesin family member 1A; minus strand). Cytogenetic location: 2q37.3.
Variant type: single nucleotide variant.
Coding change: c.883-7C>G on transcript NM_001244008.2 (MANE Select); 7 bases into the intron before coding-DNA position 883, C replaced by G.
Molecular consequence: intron variant.
Genome position (GRCh38, 1-based): chr2:240,775,933, G>C on the plus strand (C>G on the coding strand, the complement: KIF1A is on the minus strand). VCF-style: chr2-240775933-G-C. GRCh37 (hg19) VCF-style: chr2-241715350-G-C.
Other names: c.883-7C>G (NM_001379653.1, NM_001379650.1, NM_001379645.1 and 20 more transcripts).
Identifiers: ClinVar variation 1496952 (VCV001496952.8), dbSNP rs957063587, ClinGen allele CA540530290.